The following is an entry in ClinVar:

ClinVar aggregate classification (germline): Likely benign (1 of 4 stars; one submission).

Submission:

CeGaT Center for Human Genetics Tuebingen
Classification: Likely benign. Last evaluated: 2026-09-01. Review status: criteria provided, single submitter. Criteria: CeGaT Center For Human Genetics Tuebingen Variant Classification Criteria Version 2. Collection method: clinical testing. Allele origin: germline. Affected: yes. Observed: 1 variant allele.
Comment: CEP290: PM2:Supporting, BP4, BP7

NM_025114.4(CEP290):c.4896A>G (p.Glu1632=)

Gene: CEP290 (centrosomal protein 290; minus strand). Cytogenetic location: 12q21.32.
Variant type: single nucleotide variant.
Coding change: c.4896A>G on transcript NM_025114.4 (MANE Select); coding-DNA position 4896, A replaced by G.
Protein change: p.Glu1632=; no amino-acid change (glutamic acid 1632 retained).
Molecular consequence: synonymous variant.
Genome position (GRCh38, 1-based): chr12:88,083,147, T>C on the plus strand (A>G on the coding strand, the complement: CEP290 is on the minus strand). VCF-style: chr12-88083147-T-C. GRCh37 (hg19) VCF-style: chr12-88476924-T-C.
Identifiers: ClinVar variation 5041647 (VCV005041647.1).
Genomic context (GRCh38, chr12:88,083,147, plus strand): 5'-CTCCAAATCTTGTGATACTTTCTTTAGTTTGACCAAGAGTGAGGAAAGAGAGTCATCTTG[T>C]TCTGCTACTGTCTGTTCCATCTCAGCCAGACGAATAAAATGCTTGTTGGTAGGAACTGGA-3'
Protein context (NP_079390.3, residues 1622-1642): RLAEMEQTVA[Glu1632=]QDDSLSSLLV